The following is an entry in ClinVar:

NM_002317.7(LOX):c.1000T>C (p.Tyr334His)

Genes: LOX (lysyl oxidase; minus strand), SRFBP1 (serum response factor binding protein 1; plus strand). Cytogenetic location: 5q23.1.
Variant type: single nucleotide variant.
Coding change: c.1000T>C on transcript NM_002317.7 (MANE Select); coding-DNA position 1000, T replaced by C.
Protein change: p.Tyr334His; replaces tyrosine 334 with histidine.
Molecular consequence: missense variant.
Genome position (GRCh38, 1-based): chr5:122,074,048, A>G on the plus strand (T>C on the coding strand, the complement: LOX is on the minus strand). VCF-style: chr5-122074048-A-G. GRCh37 (hg19) VCF-style: chr5-121409743-A-G.
Other names: c.310T>C, p.Tyr104His (NM_001178102.2); c.109T>C, p.Tyr37His (NM_001317073.1); short protein forms Y37H, Y334H, Y104H.
Identifiers: ClinVar variation 3538999 (VCV003538999.1).

ClinVar aggregate classification (germline): Uncertain significance (1 of 4 stars; one submission).

Conditions:
Cardiovascular phenotype. Identifiers: MedGen CN230736.

gnomAD v4.1: 1 of 1,614,066 alleles (0.000062%); highest among the groups gnomAD compares: Non-Finnish European, 0.000085%; no homozygotes.

Submission:

Ambry Genetics
Classification: Uncertain significance for Cardiovascular phenotype. Last evaluated: 2024-10-04. Review status: criteria provided, single submitter. Criteria: Ambry Variant Classification Scheme 2023. Collection method: clinical testing. Allele origin: germline.
Comment: The p.Y334H variant (also known as c.1000T>C), located in coding exon 4 of the LOX gene, results from a T to C substitution at nucleotide position 1000. The tyrosine at codon 334 is replaced by histidine, an amino acid with similar properties. This amino acid position is conserved. In addition, this alteration is predicted to be tolerated by in silico analysis. Based on the available evidence, the clinical significance of this variant remains unclear.